The following is an entry in ClinVar:

NM_000501.4(ELN):c.745+1G>A

Gene: ELN (elastin; plus strand). Cytogenetic location: 7q11.23.
Variant type: single nucleotide variant.
Coding change: c.745+1G>A on transcript NM_000501.4 (MANE Select); the canonical splice donor site of the intron after coding-DNA position 745, G replaced by A.
Molecular consequence: splice donor variant.
Genome position (GRCh38, 1-based): chr7:74,048,202, G>A. VCF-style: chr7-74048202-G-A. GRCh37 (hg19) VCF-style: chr7-73462532-G-A.
Other names: c.760+1G>A (NM_001081754.3, NM_001081753.3); c.745+1G>A (NM_001278939.2, NM_001278915.2, NM_001278912.2 and 1 more transcripts); c.703+1G>A (NM_001278916.2); c.637+1G>A (NM_001278913.2); c.730+1G>A (NM_001278914.2); c.715+1G>A (NM_001278917.2, NM_001081752.3); c.613+1G>A (NM_001278918.2).
Identifiers: ClinVar variation 4820397 (VCV004820397.1), dbSNP rs1196944432.

ClinVar aggregate classification (germline): Uncertain significance (1 of 4 stars; one submission).

Conditions:
Cardiovascular phenotype. Identifiers: MedGen CN230736.

gnomAD v4.1: 3 of 1,613,894 alleles (0.00019%); highest among the groups gnomAD compares: Non-Finnish European, 0.00025%; no homozygotes.

Submission:

Molecular Diagnostic Laboratory for Inherited Cardiovascular Disease, Montreal Heart Institute
Classification: Uncertain significance for Cardiovascular phenotype. Last evaluated: 2026-03-27. Review status: criteria provided, single submitter. Criteria: ACMG Guidelines, 2015. Collection method: clinical testing. Allele origin: germline. Affected: yes.
Comment: PVS1_mod, PM2